The following is an entry in ClinVar:

NM_002734.5(PRKAR1A):c.763A>G (p.Ile255Val)

Gene: PRKAR1A (protein kinase cAMP-dependent type I regulatory subunit alpha; plus strand). Cytogenetic location: 17q24.2.
Variant type: single nucleotide variant.
Coding change: c.763A>G on transcript NM_002734.5 (MANE Select); coding-DNA position 763, A replaced by G.
Protein change: p.Ile255Val; replaces isoleucine 255 with valine.
Molecular consequence: missense variant.
Genome position (GRCh38, 1-based): chr17:68,527,894, A>G. VCF-style: chr17-68527894-A-G. GRCh37 (hg19) VCF-style: chr17-66524035-A-G.
Other names: c.763A>G, p.Ile255Val (NM_001276289.2, NM_001276290.1, NM_001278433.2 and 4 more transcripts); short protein forms I255V.
Identifiers: ClinVar variation 1468568 (VCV001468568.9), dbSNP rs1282833520, ClinGen allele CA400753586.

ClinVar aggregate classification (germline): Uncertain significance. Review status: criteria provided, multiple submitters, no conflicts (2 of 4 stars). 2 submissions from 2 submitters: Uncertain significance (2). Last evaluated 2025-11-02.

Conditions:
Hereditary cancer-predisposing syndrome. Also called: Tumor predisposition; Hereditary Cancer Syndrome; Hereditary neoplastic syndrome; Neoplastic Syndromes, Hereditary. Identifiers: Orphanet 140162, MedGen C0027672, MeSH D009386, MONDO:0015356.
Carney complex, type 1 (CNC1). Also called: CARNEY MYXOMA-ENDOCRINE COMPLEX; CARNEY COMPLEX, TYPE I. Identifiers: Orphanet 1359, MedGen C2607929, MONDO:0008057, OMIM 160980.

Allele frequency attached by ClinVar (database versions not stated): gnomAD exomes below 0.00001; TOPMed below 0.00001; gnomAD 0.00001.
gnomAD v4.1: 3 of 1,609,698 alleles (0.00019%); highest among the groups gnomAD compares: Non-Finnish European, 0.000085%; no homozygotes.

Submissions (2):

Labcorp Genetics (formerly Invitae), Labcorp
Classification: Uncertain significance for Carney complex, type 1. Last evaluated: 2025-11-02. Review status: criteria provided, single submitter. Criteria: Invitae Variant Classification Sherloc (09022015). Collection method: clinical testing. Allele origin: germline.
Comment: This sequence change replaces isoleucine, which is neutral and non-polar, with valine, which is neutral and non-polar, at codon 255 of the PRKAR1A protein (p.Ile255Val). This variant is not present in population databases (gnomAD no frequency). This variant has not been reported in the literature in individuals affected with PRKAR1A-related conditions. ClinVar contains an entry for this variant (Variation ID: 1468568). Invitae Evidence Modeling of protein sequence and biophysical properties (such as structural, functional, and spatial information, amino acid conservation, physicochemical variation, residue mobility, and thermodynamic stability) indicates that this missense variant is not expected to disrupt PRKAR1A protein function with a negative predictive value of 95%. In summary, the available evidence is currently insufficient to determine the role of this variant in disease. Therefore, it has been classified as a Variant of Uncertain Significance.

Ambry Genetics
Classification: Uncertain significance for Hereditary cancer-predisposing syndrome. Last evaluated: 2024-08-10. Review status: criteria provided, single submitter. Criteria: Ambry Variant Classification Scheme 2023. Collection method: clinical testing. Allele origin: germline.
Comment: The p.I255V variant (also known as c.763A>G), located in coding exon 7 of the PRKAR1A gene, results from an A to G substitution at nucleotide position 763. The isoleucine at codon 255 is replaced by valine, an amino acid with highly similar properties. This amino acid position is conserved. In addition, the in silico prediction for this alteration is inconclusive. Since supporting evidence is limited at this time, the clinical significance of this alteration remains unclear.